The following is an entry in ClinVar:

ClinVar aggregate classification (germline): Uncertain significance. Review status: criteria provided, multiple submitters, no conflicts (2 of 4 stars). 3 submissions from 3 submitters: Uncertain significance (3). Last evaluated 2026-01-30.

Conditions:
MYO5B-related disorder. Also called: MYO5B-related condition.

Allele frequency attached by ClinVar (database versions not stated): ExAC 0.00002; TOPMed 0.00012.
gnomAD v4.1: 37 of 1,613,300 alleles (0.0023%); highest among the groups gnomAD compares: Middle Eastern, 0.055%; no homozygotes.

Submissions (3):

PreventionGenetics, part of Exact Sciences
Classification: Uncertain significance for MYO5B-related condition. Last evaluated: 2026-01-30. Review status: criteria provided, single submitter. Criteria: ACMG Guidelines, 2015. Collection method: clinical testing. Allele origin: germline.
Comment: The MYO5B c.4844C>T variant is predicted to result in the amino acid substitution p.Pro1615Leu. This variant was reported, in the homozygous state along with a p.Arg656Cys variant on the same allele, in patients with microvillus inclusion disease (Aldrian et al. 2021. PubMed ID: 33525641). This variant is reported in 0.021% of alleles in individuals of African descent in gnomAD. At this time, the clinical significance of this variant is uncertain due to the absence of conclusive functional and genetic evidence.

GeneDx
Classification: Uncertain significance. Last evaluated: 2023-08-14. Review status: criteria provided, single submitter. Criteria: GeneDx Variant Classification Process June 2021. Collection method: clinical testing. Allele origin: germline. Affected: yes.
Comment: In silico analysis supports that this missense variant has a deleterious effect on protein structure/function; This variant is associated with the following publications: (PMID: 33525641)

Labcorp Genetics (formerly Invitae), Labcorp
Classification: Uncertain significance. Last evaluated: 2023-07-07. Review status: criteria provided, single submitter. Criteria: Invitae Variant Classification Sherloc (09022015). Collection method: clinical testing. Allele origin: germline.
Comment: This sequence change replaces proline, which is neutral and non-polar, with leucine, which is neutral and non-polar, at codon 1615 of the MYO5B protein (p.Pro1615Leu). This variant is present in population databases (rs776975234, gnomAD 0.02%). This variant has not been reported in the literature in individuals affected with MYO5B-related conditions. ClinVar contains an entry for this variant (Variation ID: 2172136). Advanced modeling of protein sequence and biophysical properties (such as structural, functional, and spatial information, amino acid conservation, physicochemical variation, residue mobility, and thermodynamic stability) performed at Invitae indicates that this missense variant is not expected to disrupt MYO5B protein function. In summary, the available evidence is currently insufficient to determine the role of this variant in disease. Therefore, it has been classified as a Variant of Uncertain Significance.

NM_001080467.3(MYO5B):c.4844C>T (p.Pro1615Leu)

Genes: MYO5B (myosin VB; minus strand), SNHG22 (small nucleolar RNA host gene 22; plus strand). Cytogenetic location: 18q21.1.
Variant type: single nucleotide variant.
Coding change: c.4844C>T on transcript NM_001080467.3 (MANE Select); coding-DNA position 4844, C replaced by T.
Protein change: p.Pro1615Leu; replaces proline 1615 with leucine.
Molecular consequence: missense variant.
Genome position (GRCh38, 1-based): chr18:49,839,152, G>A on the plus strand (C>T on the coding strand, the complement: MYO5B is on the minus strand). VCF-style: chr18-49839152-G-A. GRCh37 (hg19) VCF-style: chr18-47365522-G-A.
Other names: c.4844C>T (NM_001080467.2); short protein forms P1615L.
Identifiers: ClinVar variation 2172136 (VCV002172136.6), dbSNP rs776975234, ClinGen allele CA8960215.